The following is an entry in ClinVar:

NM_002890.3(RASA1):c.431C>T (p.Pro144Leu)

Gene: RASA1 (RAS p21 protein activator 1; plus strand). Cytogenetic location: 5q14.3.
Variant type: single nucleotide variant.
Coding change: c.431C>T on transcript NM_002890.3 (MANE Select); coding-DNA position 431, C replaced by T.
Protein change: p.Pro144Leu; replaces proline 144 with leucine.
Molecular consequence: missense variant.
Genome position (GRCh38, 1-based): chr5:87,268,882, C>T. VCF-style: chr5-87268882-C-T. GRCh37 (hg19) VCF-style: chr5-86564699-C-T.
Other names: short protein forms P144L.
Identifiers: ClinVar variation 966376 (VCV000966376.12), dbSNP rs1753694671, ClinGen allele CA360417376.

ClinVar aggregate classification (germline): Uncertain significance. Review status: criteria provided, multiple submitters, no conflicts (2 of 4 stars). 2 submissions from 2 submitters: Uncertain significance (2). Last evaluated 2025-12-24.

Conditions:
Cardiovascular phenotype. Identifiers: MedGen CN230736.
Capillary malformation-arteriovenous malformation syndrome. Also called: Capillary malformation-arteriovenous malformation. Identifiers: Orphanet 137667, MedGen C1842180, MONDO:0012016.

gnomAD v4.1: 1 of 1,614,146 alleles (0.000062%); highest among the groups gnomAD compares: African/African-American, 0.0013%; no homozygotes.

Submissions (2):

Labcorp Genetics (formerly Invitae), Labcorp
Classification: Uncertain significance for Capillary malformation-arteriovenous malformation syndrome. Last evaluated: 2025-12-24. Review status: criteria provided, single submitter. Criteria: Invitae Variant Classification Sherloc (09022015). Collection method: clinical testing. Allele origin: germline.
Comment: This sequence change replaces proline, which is neutral and non-polar, with leucine, which is neutral and non-polar, at codon 144 of the RASA1 protein (p.Pro144Leu). This variant is not present in population databases (gnomAD no frequency). This variant has not been reported in the literature in individuals affected with RASA1-related conditions. ClinVar contains an entry for this variant (Variation ID: 966376). An algorithm developed to predict the effect of missense changes on protein structure and function (PolyPhen-2) suggests that this variant is likely to be tolerated. In summary, the available evidence is currently insufficient to determine the role of this variant in disease. Therefore, it has been classified as a Variant of Uncertain Significance.

Ambry Genetics
Classification: Uncertain significance for Cardiovascular phenotype. Last evaluated: 2022-10-02. Review status: criteria provided, single submitter. Criteria: Ambry Variant Classification Scheme 2023. Collection method: clinical testing. Allele origin: germline.
Comment: The p.P144L variant (also known as c.431C>T), located in coding exon 1 of the RASA1 gene, results from a C to T substitution at nucleotide position 431. The proline at codon 144 is replaced by leucine, an amino acid with similar properties. This amino acid position is conserved. In addition, this alteration is predicted to be tolerated by in silico analysis. Since supporting evidence is limited at this time, the clinical significance of this alteration remains unclear.